The following is an entry in ClinVar:

ClinVar aggregate classification (germline): Uncertain significance (1 of 4 stars; one submission).

Conditions:
Cardiovascular phenotype. Identifiers: MedGen CN230736.

Submission:

Ambry Genetics
Classification: Uncertain significance for Cardiovascular phenotype. Last evaluated: 2023-06-09. Review status: criteria provided, single submitter. Criteria: Ambry Variant Classification Scheme 2023. Collection method: clinical testing. Allele origin: germline.
Comment: The c.10888_10889delGAinsC variant, located in coding exon 2 of the ZNF469 gene, results from the deletion of two nucleotides and insertion of one nucleotide causing a translational frameshift with a predicted alternate stop codon (p.E3630Rfs*62). This alteration occurs at the 3' terminus of theZNF469 gene, is not expected to trigger nonsense-mediated mRNAdecay, and only impacts the last 296 amino acids (7.5%) of the protein. The exact functional effect of this alteration is unknown. Since supporting evidence is limited at this time, the clinical significance of this alteration remains unclear.

NM_001367624.2(ZNF469):c.10972_10973delinsC (p.Glu3658fs)

Gene: ZNF469 (zinc finger protein 469; plus strand). Cytogenetic location: 16q24.2.
Variant type: Indel.
Coding change: c.10972_10973delinsC on transcript NM_001367624.2 (MANE Select); coding-DNA positions 10972 to 10973, GA replaced by C.
Protein change: p.Glu3658fs; shifts the reading frame from glutamic acid 3658.
Molecular consequence: frameshift variant.
Genome position (GRCh38, 1-based): chr16:88,438,442-88,438,443, GA replaced by C. VCF-style: chr16-88438442-GA-C. GRCh37 (hg19) VCF-style: chr16-88504850-GA-C.
Other names: NM_001127464.1:c.10888_10889delGAinsC; short protein forms E3658fs.
Identifiers: ClinVar variation 2564268 (VCV002564268.2), dbSNP rs2507608010, ClinGen allele CA2580613916.